The following is an entry in ClinVar:

NM_001273.5(CHD4):c.800-8G>C

Gene: CHD4 (chromodomain helicase DNA binding protein 4; minus strand). Cytogenetic location: 12p13.31.
Variant type: single nucleotide variant.
Coding change: c.800-8G>C on transcript NM_001273.5 (MANE Select); 8 bases into the intron before coding-DNA position 800, G replaced by C.
Molecular consequence: intron variant.
Genome position (GRCh38, 1-based): chr12:6,601,061, C>G on the plus strand (G>C on the coding strand, the complement: CHD4 is on the minus strand). VCF-style: chr12-6601061-C-G. GRCh37 (hg19) VCF-style: chr12-6710227-C-G.
Other names: c.800-8G>C (NM_001363606.2); c.779-8G>C (NM_001297553.2).
Identifiers: ClinVar variation 757561 (VCV000757561.29), dbSNP rs368067995, ClinGen allele CA6412405.

ClinVar aggregate classification (germline): Likely benign. Review status: criteria provided, multiple submitters, no conflicts (2 of 4 stars). 4 submissions from 4 submitters: Likely benign (4). Last evaluated 2025-03-18.

Conditions:
CHD4-related disorder. Also called: CHD4-related condition.

Allele frequency attached by ClinVar (database versions not stated): gnomAD 0.00001 and 0.00002; ExAC 0.00002; TOPMed 0.00003; ESP Exome Variant Server 0.00008.
gnomAD v4.1: 61 of 1,558,884 alleles (0.0039%); highest among the groups gnomAD compares: Middle Eastern, 0.034%; no homozygotes.

Submissions (4):

PreventionGenetics, part of Exact Sciences
Classification: Likely benign for CHD4-related condition. Last evaluated: 2025-03-18. Review status: criteria provided, single submitter. Criteria: ACMG Guidelines, 2015. Collection method: clinical testing. Allele origin: germline.
Comment: This variant is classified as likely benign based on ACMG/AMP sequence variant interpretation guidelines (Richards et al. 2015 PMID: 25741868, with internal and published modifications).

CeGaT Center for Human Genetics Tuebingen
Classification: Likely benign. Last evaluated: 2022-08-01. Review status: criteria provided, single submitter. Criteria: CeGaT Center For Human Genetics Tuebingen Variant Classification Criteria Version 2. Collection method: clinical testing. Allele origin: germline. Affected: yes. Observed: 1 variant allele.
Comment: CHD4: BP4

Labcorp Genetics (formerly Invitae), Labcorp
Classification: Likely benign. Last evaluated: 2018-07-13. Review status: criteria provided, single submitter. Criteria: Invitae Variant Classification Sherloc (09022015). Collection method: clinical testing. Allele origin: germline.

Breakthrough Genomics
Classification: Likely benign. Review status: criteria provided, single submitter. Criteria: ACMG Guidelines, 2015. Collection method: not provided. Allele origin: germline. Inheritance: Autosomal dominant inheritance. Affected: yes.